The following is an entry in ClinVar:

NM_000834.5(GRIN2B):c.206A>T (p.Glu69Val)

Gene: GRIN2B (glutamate ionotropic receptor NMDA type subunit 2B; minus strand). Cytogenetic location: 12p13.1.
Variant type: single nucleotide variant.
Coding change: c.206A>T on transcript NM_000834.5 (MANE Select); coding-DNA position 206, A replaced by T.
Protein change: p.Glu69Val; replaces glutamic acid 69 with valine.
Molecular consequence: missense variant.
Genome position (GRCh38, 1-based): chr12:13,866,003, T>A on the plus strand (A>T on the coding strand, the complement: GRIN2B is on the minus strand). VCF-style: chr12-13866003-T-A. GRCh37 (hg19) VCF-style: chr12-14018937-T-A.
Other names: c.206A>T, p.Glu69Val (NM_001413992.1, NM_001413993.1, NM_001413994.1 and 1 more transcripts); short protein forms E69V.
Identifiers: ClinVar variation 4793608 (VCV004793608.1).

ClinVar aggregate classification (germline): Uncertain significance (1 of 4 stars; one submission).

Conditions:
Developmental and epileptic encephalopathy, 27 (DEE27). Also called: Epileptic encephalopathy, early infantile, 27; GRIN2B-Related Neurodevelopmental Disorder. Identifiers: Orphanet 3451, MedGen C4015316, MONDO:0014505, OMIM 616139.
Intellectual developmental disorder, autosomal dominant 6, with or without seizures. Also called: Intellectual disability, autosomal dominant 6; GRIN2B-related developmental delay, intellectual disability and autism spectrum disorder. Identifiers: Orphanet 589547, MedGen C3151411, MONDO:0013509, OMIM 613970.

gnomAD v4.1: 1 of 1,613,996 alleles (0.000062%); highest among the groups gnomAD compares: Admixed American, 0.0017%; no homozygotes.

Submission:

Labcorp Genetics (formerly Invitae), Labcorp
Classification: Uncertain significance for Developmental and epileptic encephalopathy, 27; Intellectual developmental disorder, autosomal dominant 6, with or without seizures. Last evaluated: 2025-06-08. Review status: criteria provided, single submitter. Criteria: Invitae Variant Classification Sherloc (09022015). Collection method: clinical testing. Allele origin: germline.
Comment: This sequence change replaces glutamic acid, which is acidic and polar, with valine, which is neutral and non-polar, at codon 69 of the GRIN2B protein (p.Glu69Val). This variant is not present in population databases (gnomAD no frequency). This variant has not been reported in the literature in individuals affected with GRIN2B-related conditions. Invitae Evidence Modeling of protein sequence and biophysical properties (such as structural, functional, and spatial information, amino acid conservation, physicochemical variation, residue mobility, and thermodynamic stability) indicates that this missense variant is not expected to disrupt GRIN2B protein function with a negative predictive value of 95%. In summary, the available evidence is currently insufficient to determine the role of this variant in disease. Therefore, it has been classified as a Variant of Uncertain Significance.